The following is an entry in ClinVar:

NM_000260.4(MYO7A):c.873C>T (p.Gly291=)

Gene: MYO7A (myosin VIIA; plus strand). Cytogenetic location: 11q13.5.
Variant type: single nucleotide variant.
Coding change: c.873C>T on transcript NM_000260.4 (MANE Select); coding-DNA position 873, C replaced by T.
Protein change: p.Gly291=; no amino-acid change (glycine 291 retained).
Molecular consequence: synonymous variant.
Genome position (GRCh38, 1-based): chr11:77,158,300, C>T. VCF-style: chr11-77158300-C-T. GRCh37 (hg19) VCF-style: chr11-76869346-C-T.
Other names: c.873C>T, p.Gly291= (NM_001127180.2); c.840C>T, p.Gly280= (NM_001369365.1).
Identifiers: ClinVar variation 1128899 (VCV001128899.27), dbSNP rs781860881, ClinGen allele CA6197288.
Genomic context (GRCh38, chr11:77,158,300, plus strand): 5'-GTCCTCTTGCACCCCACTCTCCCACCCTGCCCACCAGGGTAACTGCATAACCTGTGAGGG[C>T]CGGGTGGACAGCCAGGAGTACGCCAACATCCGCTCCGCCATGAAGGTGCTCATGTTCACT-3'
Protein context (NP_000251.3, residues 281-301): LAMGNCITCE[Gly291=]RVDSQEYANI

ClinVar aggregate classification (germline): Likely benign. Review status: criteria provided, multiple submitters, no conflicts (2 of 4 stars). 2 submissions from 2 submitters: Likely benign (2). Last evaluated 2025-09-06.

Allele frequency attached by ClinVar (database versions not stated): ExAC 0.00001; gnomAD 0.00001; gnomAD exomes 0.00001 and 0.00002; TOPMed 0.00002.
gnomAD v4.1: 10 of 1,609,100 alleles (0.00062%); highest among the groups gnomAD compares: Non-Finnish European, 0.00076%; no homozygotes.

Submissions (2):

Labcorp Genetics (formerly Invitae), Labcorp
Classification: Likely benign. Last evaluated: 2025-09-06. Review status: criteria provided, single submitter. Criteria: Invitae Variant Classification Sherloc (09022015). Collection method: clinical testing. Allele origin: germline.

CeGaT Center for Human Genetics Tuebingen
Classification: Likely benign. Last evaluated: 2025-07-01. Review status: criteria provided, single submitter. Criteria: CeGaT Center For Human Genetics Tuebingen Variant Classification Criteria Version 2. Collection method: clinical testing. Allele origin: germline. Affected: yes. Observed: 2 variant alleles.
Comment: MYO7A: BP4, BP7